The following is an entry in ClinVar:

ClinVar aggregate classification (germline): Uncertain significance (1 of 4 stars; one submission).

Conditions:
AUTS2-related disorder. Also called: AUTS2-related condition.

gnomAD v4.1: 1 of 1,515,100 alleles (0.000066%); highest among the groups gnomAD compares: Non-Finnish European, 0.000088%; no homozygotes.

Submission:

PreventionGenetics, part of Exact Sciences
Classification: Uncertain significance for AUTS2-related condition. Last evaluated: 2025-12-02. Review status: criteria provided, single submitter. Criteria: ACMG Guidelines, 2015. Collection method: clinical testing. Allele origin: germline.
Comment: The AUTS2 c.124C>G variant is predicted to result in the amino acid substitution p.Arg42Gly. To our knowledge, this variant has not been reported in the literature or in a large population database (gnomAD), indicating this variant is rare. At this time, the clinical significance of this variant is uncertain due to the absence of conclusive functional and genetic evidence.

NM_015570.4(AUTS2):c.124C>G (p.Arg42Gly)

Genes: AUTS2 (activator of transcription and developmental regulator AUTS2; plus strand), LOC129998550 (ATAC-STARR-seq lymphoblastoid silent region 18224; plus strand). Cytogenetic location: 7q11.22.
Variant type: single nucleotide variant.
Coding change: c.124C>G on transcript NM_015570.4 (MANE Select); coding-DNA position 124, C replaced by G.
Protein change: p.Arg42Gly; replaces arginine 42 with glycine.
Molecular consequence: missense variant.
Genome position (GRCh38, 1-based): chr7:69,599,777, C>G. VCF-style: chr7-69599777-C-G. GRCh37 (hg19) VCF-style: chr7-69064763-C-G.
Other names: c.124C>G, p.Arg42Gly (NM_001127231.3, NM_001127232.3); short protein forms R42G.
Identifiers: ClinVar variation 4989912 (VCV004989912.1).